The following is an entry in ClinVar:

ClinVar aggregate classification (germline): Benign/Likely benign. Review status: criteria provided, multiple submitters, no conflicts (2 of 4 stars). 5 submissions from 5 submitters: Benign (1); Likely benign (4). Last evaluated 2025-04-09.

Conditions:
RASopathy. Also called: Noonan spectrum disorder; rasopathies. Identifiers: Orphanet 536391, MedGen C5555857, MONDO:0021060.
Cardiovascular phenotype. Identifiers: MedGen CN230736.

Allele frequency attached by ClinVar (database versions not stated): gnomAD exomes 0.00001.
gnomAD v4.1: 8 of 1,614,134 alleles (0.0005%); highest among the groups gnomAD compares: Admixed American, 0.0017%; no homozygotes.

Submissions (5):

Molecular Diagnostic Laboratory for Inherited Cardiovascular Disease, Montreal Heart Institute
Classification: Benign. Last evaluated: 2025-04-09. Review status: criteria provided, single submitter. Criteria: ACMG Guidelines, 2015. Collection method: clinical testing. Allele origin: germline. Affected: no.

Labcorp Genetics (formerly Invitae), Labcorp
Classification: Likely benign for RASopathy. Last evaluated: 2023-12-18. Review status: criteria provided, single submitter. Criteria: Invitae Variant Classification Sherloc (09022015). Collection method: clinical testing. Allele origin: germline.

Ambry Genetics
Classification: Likely benign for Cardiovascular phenotype. Last evaluated: 2021-01-04. Review status: criteria provided, single submitter. Criteria: Ambry Variant Classification Scheme 2023. Collection method: clinical testing. Allele origin: germline.

Women's Health and Genetics/Laboratory Corporation of America, LabCorp
Classification: Likely benign. Last evaluated: 2020-01-31. Review status: criteria provided, single submitter. Criteria: LabCorp Variant Classification Summary - May 2015. Collection method: clinical testing. Allele origin: germline.

Laboratory for Molecular Medicine, Mass General Brigham Personalized Medicine
Classification: Likely benign. Last evaluated: 2015-03-18. Review status: criteria provided, single submitter. Criteria: LMM Criteria. Collection method: clinical testing. Allele origin: germline. Observed: 1 variant allele.
Comment: p.His236His in exon 7 of RAF1: This variant is not expected to have clinical sig nificance because it does not alter an amino acid residue and is not located wit hin the splice consensus sequence.

NM_002880.4(RAF1):c.708C>T (p.His236=)

Gene: RAF1 (Raf-1 proto-oncogene, serine/threonine kinase; minus strand). Cytogenetic location: 3p25.2.
Variant type: single nucleotide variant.
Coding change: c.708C>T on transcript NM_002880.4 (MANE Select); coding-DNA position 708, C replaced by T.
Protein change: p.His236=; no amino-acid change (histidine 236 retained).
Molecular consequence: synonymous variant. On other transcripts: non-coding transcript variant (3).
Genome position (GRCh38, 1-based): chr3:12,604,262, G>A on the plus strand (C>T on the coding strand, the complement: RAF1 is on the minus strand). VCF-style: chr3-12604262-G-A. GRCh37 (hg19) VCF-style: chr3-12645761-G-A.
Other names: c.708C>T, p.His236= (NM_001354689.3, NM_001354690.3); c.465C>T, p.His155= (NM_001354691.3, NM_001354692.3, NM_001354694.3); c.609C>T, p.His203= (NM_001354693.3); c.366C>T, p.His122= (NM_001354695.3).
Identifiers: ClinVar variation 227889 (VCV000227889.17), dbSNP rs370658857, ClinGen allele CA10576603.